The following is an entry in ClinVar:

NM_006019.4(TCIRG1):c.196A>G (p.Thr66Ala)

Gene: TCIRG1 (T cell immune regulator 1, ATPase H+ transporting V0 subunit a3; plus strand). Cytogenetic location: 11q13.2.
Variant type: single nucleotide variant.
Coding change: c.196A>G on transcript NM_006019.4 (MANE Select); coding-DNA position 196, A replaced by G.
Protein change: p.Thr66Ala; replaces threonine 66 with alanine.
Molecular consequence: missense variant. On other transcripts: 5 prime UTR variant (1).
Genome position (GRCh38, 1-based): chr11:68,041,831, A>G. VCF-style: chr11-68041831-A-G. GRCh37 (hg19) VCF-style: chr11-67809298-A-G.
Other names: c.-1054A>G (NM_001351059.2); short protein forms T66A.
Identifiers: ClinVar variation 2149372 (VCV002149372.4), dbSNP rs372707757, ClinGen allele CA6146679.

ClinVar aggregate classification (germline): Uncertain significance (1 of 4 stars; one submission).

Allele frequency attached by ClinVar (database versions not stated): gnomAD 0.00001; gnomAD exomes 0.00001; TOPMed 0.00002; ExAC 0.00004; ESP Exome Variant Server 0.00008.

Submission:

Labcorp Genetics (formerly Invitae), Labcorp
Classification: Uncertain significance. Last evaluated: 2025-08-11. Review status: criteria provided, single submitter. Criteria: Invitae Variant Classification Sherloc (09022015). Collection method: clinical testing. Allele origin: germline.
Comment: This sequence change replaces threonine, which is neutral and polar, with alanine, which is neutral and non-polar, at codon 66 of the TCIRG1 protein (p.Thr66Ala). This variant is present in population databases (rs372707757, gnomAD 0.004%). This variant has not been reported in the literature in individuals affected with TCIRG1-related conditions. ClinVar contains an entry for this variant (Variation ID: 2149372). An algorithm developed to predict the effect of missense changes on protein structure and function outputs the following: PolyPhen-2: "Benign". The alanine amino acid residue is found in multiple mammalian species, which suggests that this missense change does not adversely affect protein function. In summary, the available evidence is currently insufficient to determine the role of this variant in disease. Therefore, it has been classified as a Variant of Uncertain Significance.